The following is an entry in ClinVar:

NM_000814.6(GABRB3):c.835+194C>T

Gene: GABRB3 (gamma-aminobutyric acid type A receptor subunit beta3; minus strand). Cytogenetic location: 15q12.
Variant type: single nucleotide variant.
Coding change: c.835+194C>T on transcript NM_000814.6 (MANE Select); 194 bases into the intron after coding-DNA position 835, C replaced by T.
Molecular consequence: intron variant.
Genome position (GRCh38, 1-based): chr15:26,567,387, G>A on the plus strand (C>T on the coding strand, the complement: GABRB3 is on the minus strand). VCF-style: chr15-26567387-G-A. GRCh37 (hg19) VCF-style: chr15-26812534-G-A.
Other names: c.835+194C>T (NM_021912.5); c.580+194C>T (NM_001278631.2, NM_001191320.2); c.622+194C>T (NM_001191321.3).
Identifiers: ClinVar variation 677341 (VCV000677341.1), dbSNP rs13379558, ClinGen allele CA268155351.

ClinVar aggregate classification (germline): Benign (1 of 4 stars; one submission).

Allele frequency attached by ClinVar (database versions not stated): gnomAD 0.02569 and 0.02763; 1000 Genomes Project 0.02815; TOPMed 0.02880; 1000 Genomes Project 30x 0.03061.
gnomAD v4.1: 3,871 of 152,164 alleles (2.5%); highest among the groups gnomAD compares: African/African-American, 8.9%; 182 homozygotes.

Submission:

GeneDx
Classification: Benign. Last evaluated: 2018-06-14. Review status: criteria provided, single submitter. Criteria: GeneDx Variant Classification (06012015). Collection method: clinical testing. Allele origin: germline. Affected: yes.
Comment: This variant is considered likely benign or benign based on one or more of the following criteria: it is a conservative change, it occurs at a poorly conserved position in the protein, it is predicted to be benign by multiple in silico algorithms, and/or has population frequency not consistent with disease.